The following is an entry in ClinVar:

ClinVar aggregate classification (germline): Uncertain significance (1 of 4 stars; one submission).

Submission:

CeGaT Center for Human Genetics Tuebingen
Classification: Uncertain significance. Last evaluated: 2025-08-01. Review status: criteria provided, single submitter. Criteria: CeGaT Center For Human Genetics Tuebingen Variant Classification Criteria Version 2. Collection method: clinical testing. Allele origin: germline. Affected: yes. Observed: 1 variant allele.
Comment: COL4A3: PM2

NM_000091.5(COL4A3):c.4699A>G (p.Ile1567Val)

Genes: COL4A3 (collagen type IV alpha 3 chain; plus strand), MFF-DT (MFF divergent transcript; minus strand). Cytogenetic location: 2q36.3.
Variant type: single nucleotide variant.
Coding change: c.4699A>G on transcript NM_000091.5 (MANE Select); coding-DNA position 4699, A replaced by G.
Protein change: p.Ile1567Val; replaces isoleucine 1567 with valine.
Molecular consequence: missense variant.
Genome position (GRCh38, 1-based): chr2:227,309,262, A>G. VCF-style: chr2-227309262-A-G. GRCh37 (hg19) VCF-style: chr2-228173978-A-G.
Other names: short protein forms I1567V.
Identifiers: ClinVar variation 4085831 (VCV004085831.8).